The following is an entry in ClinVar:

ClinVar aggregate classification (germline): Likely benign (1 of 4 stars; one submission).

Allele frequency attached by ClinVar (database versions not stated): 1000 Genomes Project 0.00060; 1000 Genomes Project 30x 0.00125; ESP Exome Variant Server 0.00162; ExAC 0.00304; gnomAD 0.00412; TOPMed 0.00457.
gnomAD v4.1: 9,735 of 1,530,124 alleles (0.64%); highest among the groups gnomAD compares: Non-Finnish European, 0.74%; 42 homozygotes.

Submission:

CeGaT Center for Human Genetics Tuebingen
Classification: Likely benign. Last evaluated: 2022-11-01. Review status: criteria provided, single submitter. Criteria: CeGaT Center For Human Genetics Tuebingen Variant Classification Criteria Version 2. Collection method: clinical testing. Allele origin: germline. Affected: yes. Observed: 1 variant allele.
Comment: SHARPIN: BS2

NM_030974.4(SHARPIN):c.143C>G (p.Ala48Gly)

Genes: SHARPIN (SHANK associated RH domain interactor; minus strand), LOC130001366 (ATAC-STARR-seq lymphoblastoid silent region 19656; plus strand). Cytogenetic location: 8q24.3.
Variant type: single nucleotide variant.
Coding change: c.143C>G on transcript NM_030974.4 (MANE Select); coding-DNA position 143, C replaced by G.
Protein change: p.Ala48Gly; replaces alanine 48 with glycine.
Molecular consequence: missense variant. On other transcripts: non-coding transcript variant (1).
Genome position (GRCh38, 1-based): chr8:144,103,611, G>C on the plus strand (C>G on the coding strand, the complement: SHARPIN is on the minus strand). VCF-style: chr8-144103611-G-C. GRCh37 (hg19) VCF-style: chr8-145158514-G-C.
Other names: short protein forms A48G.
Identifiers: ClinVar variation 2658970 (VCV002658970.24), dbSNP rs200972856, ClinGen allele CA4934024.